The following is an entry in ClinVar:

ClinVar aggregate classification (germline): Conflicting classifications of pathogenicity. Review status: criteria provided, conflicting classifications (1 of 4 stars). 2 submissions from 2 submitters: Likely pathogenic (1); Uncertain significance (1). Last evaluated 2023-12-21.

Conditions:
AHDC1-related intellectual disability - obstructive sleep apnea - mild dysmorphism syndrome. Also called: Xia-Gibbs syndrome. Identifiers: Orphanet 412069, MedGen C4014419, MONDO:0014358, OMIM 615829.

Allele frequency attached by ClinVar (database versions not stated): TOPMed 0.00001.

Submissions (2):

Victorian Clinical Genetics Services, Murdoch Childrens Research Institute
Classification: Likely pathogenic for AHDC1-related intellectual disability - obstructive sleep apnea - mild dysmorphism syndrome. Last evaluated: 2023-12-21. Review status: criteria provided, single submitter. Criteria: ACMG Guidelines, 2015. Collection method: clinical testing. Allele origin: germline. Inheritance: Autosomal dominant inheritance. Affected: yes.
Comment: Based on the classification scheme VCGS_Germline_v1.3.4, this variant is classified as Likely pathogenic. Following criteria are met: 0105 - The mechanism of disease for this gene is not clearly established. However, dominant-negative has been suggested (PMID: 24791903). (I) 0107 - This gene is associated with autosomal dominant disease. (I) 0200 - Variant is predicted to result in a missense amino acid change from glutamic acid to glutamine. (I) 0251 - This variant is heterozygous. (I) 0301 - Variant is absent from gnomAD (both v2 and v3). (SP) 0309 - An alternative amino acid change at the same position has been observed in gnomAD (v2+3: 2 heterozygotes, 0 homozygotes). (I) 0502 - Missense variant with conflicting in silico predictions and moderate conservation. (I) 0604 - Variant is not located in an established domain, motif, hotspot or informative constraint region. (I) 0709 - Another missense variant comparable to the one identified in this case has previous evidence for being benign. p.(Glu203Lys) was classified as a VUS by a diagnostic laboratory in ClinVar. However, it has since been identified in an unaffected parent and the classification updated to likely benign (personal communications). (SB) 0809 - Previous evidence of pathogenicity for this variant is inconclusive. It was identified in a patient with intellectual disability and dysmorphism with unknown inheritance; and classified as a VUS by a diagnostic laboratory in ClinVar (personal communications). (I) 0905 - No published segregation evidence has been identified for this variant. (I) 1007 - No published functional evidence has been identified for this variant. (SP) Legend: (SP) - Supporting pathogenic, (I) - Information, (SB) - Supporting benign

GeneDx
Classification: Uncertain significance. Last evaluated: 2019-05-01. Review status: criteria provided, single submitter. Criteria: GeneDx Variant Classification Process June 2021. Collection method: clinical testing. Allele origin: germline. Affected: yes.
Comment: Not observed in large population cohorts (Lek et al., 2016); In silico analysis, which includes protein predictors and evolutionary conservation, supports that this variant does not alter protein structure/function; Has not been previously published as pathogenic or benign to our knowledge

Literature cited by the submitters: PubMed 24791903 (cited by Victorian Clinical Genetics Services, Murdoch Childrens Research Institute).

NM_001371928.1(AHDC1):c.607G>C (p.Glu203Gln)

Gene: AHDC1 (AT-hook DNA binding motif containing 1; minus strand). Cytogenetic location: 1p36.11.
Variant type: single nucleotide variant.
Coding change: c.607G>C on transcript NM_001371928.1 (MANE Select); coding-DNA position 607, G replaced by C.
Protein change: p.Glu203Gln; replaces glutamic acid 203 with glutamine.
Molecular consequence: missense variant.
Genome position (GRCh38, 1-based): chr1:27,551,509, C>G on the plus strand (G>C on the coding strand, the complement: AHDC1 is on the minus strand). VCF-style: chr1-27551509-C-G. GRCh37 (hg19) VCF-style: chr1-27878020-C-G.
Other names: c.607G>C, p.Glu203Gln (NM_001029882.3); short protein forms E203Q.
Identifiers: ClinVar variation 389464 (VCV000389464.4), dbSNP rs1032556769, ClinGen allele CA16603694.
Genomic context (GRCh38, chr1:27,551,509, plus strand): 5'-TGGCCGCAGCCGTGGCTCCGGGACTATGGCCTTGGCCAGGCTGGGGACTGTCCCTAGGCT[C>G]AGGCTCAGGCTCGTAGAGGGGATGGCTGGGCCGCTCCGACTTGGCGTGTGGGGTGGCCCG-3'
Protein context (NP_001358857.1, residues 193-213): PSHPLYEPEP[Glu203Gln]PRDSPQPGQG